The following is an entry in ClinVar:

NM_001370259.2(MEN1):c.1813C>T (p.Arg605Trp)

Gene: MEN1 (menin 1; minus strand). Cytogenetic location: 11q13.1.
Variant type: single nucleotide variant.
Coding change: c.1813C>T on transcript NM_001370259.2 (MANE Select); coding-DNA position 1813, C replaced by T.
Protein change: p.Arg605Trp; replaces arginine 605 with tryptophan.
Molecular consequence: missense variant. On other transcripts: non-coding transcript variant (4).
Genome position (GRCh38, 1-based): chr11:64,804,354, G>A on the plus strand (C>T on the coding strand, the complement: MEN1 is on the minus strand). VCF-style: chr11-64804354-G-A. GRCh37 (hg19) VCF-style: chr11-64571826-G-A.
Other names: c.1828C>T, p.Arg610Trp (NM_000244.4, NM_001407145.1, NM_130800.3 and 4 more transcripts); c.1939C>T, p.Arg647Trp (NM_001370251.2, NM_001407142.1, NM_001407143.1 and 1 more transcripts); c.1813C>T, p.Arg605Trp (NM_001370260.2, NM_001370261.2, NM_001407146.1 and 2 more transcripts); c.1708C>T, p.Arg570Trp (NM_001370262.2, NM_001370263.2, NM_001407148.1 and 1 more transcripts); c.1954C>T, p.Arg652Trp (NM_001407150.1); c.1834C>T, p.Arg612Trp (NM_001407151.1); c.1648C>T, p.Arg550Trp (NM_001407152.1); short protein forms R550W, R605W, R570W, R610W, R612W, R652W, R647W.
Identifiers: ClinVar variation 3634181 (VCV003634181.2).
Genomic context (GRCh38, chr11:64,804,354, plus strand): 5'-GAGCCTGGGTCCCCACAAGCGGTCCGAAGTCCCCAGTAGTTCAGAGGCCTTTGCGCTGCC[G>A]CTTGAGGAAAGACAGAGTGTAGTCACTAGGGGTGGACACTTTCTGCTTCTTCATCTGCAC-3'
Protein context (NP_001357188.2, residues 595-610): PSDYTLSFLK[Arg605Trp]QRKGL

ClinVar aggregate classification (germline): Uncertain significance (1 of 4 stars; one submission).

Conditions:
Multiple endocrine neoplasia, type 1 (MEN1). Also called: MEN I; WERMER SYNDROME; Endocrine adenomatosis multiple; MEN 1; MEA I. Identifiers: Orphanet 652, MedGen C0025267, MeSH D018761, MONDO:0007540, OMIM 131100.

Submission:

Labcorp Genetics (formerly Invitae), Labcorp
Classification: Uncertain significance for Multiple endocrine neoplasia, type 1. Last evaluated: 2024-10-20. Review status: criteria provided, single submitter. Criteria: Invitae Variant Classification Sherloc (09022015). Collection method: clinical testing. Allele origin: germline.
Comment: This sequence change replaces arginine, which is basic and polar, with tryptophan, which is neutral and slightly polar, at codon 605 of the MEN1 protein (p.Arg605Trp). This variant is not present in population databases (gnomAD no frequency). This variant has not been reported in the literature in individuals affected with MEN1-related conditions. Invitae Evidence Modeling of protein sequence and biophysical properties (such as structural, functional, and spatial information, amino acid conservation, physicochemical variation, residue mobility, and thermodynamic stability) has been performed for this missense variant. However, the output from this modeling did not meet the statistical confidence thresholds required to predict the impact of this variant on MEN1 protein function. In summary, the available evidence is currently insufficient to determine the role of this variant in disease. Therefore, it has been classified as a Variant of Uncertain Significance.